The following is an entry in ClinVar:

ClinVar aggregate classification (germline): Benign/Likely benign. Review status: criteria provided, multiple submitters, no conflicts (2 of 4 stars). 6 submissions from 6 submitters: Benign (3); Likely benign (2). 1 of the submissions does not count toward it. Last evaluated 2026-02-02.

Conditions:
FUS-related disorder. Also called: FUS-related condition.
Amyotrophic lateral sclerosis type 6. Also called: FUS-Related Amyotrophic Laterial Sclerosis; AMYOTROPHIC LATERAL SCLEROSIS 6 WITHOUT FRONTOTEMPORAL DEMENTIA; Amyotrophic lateral sclerosis 6, with or without frontotemporal dementia. Identifiers: Orphanet 275872, Orphanet 803, MedGen C2931786, MONDO:0011951, OMIM 608030.
Tremor, hereditary essential, 4 (ETM4). Identifiers: MedGen C3539195, MONDO:0013888, OMIM 614782.

Allele frequency attached by ClinVar (database versions not stated): gnomAD exomes 0.00129 and 0.00366; ExAC 0.00458; 1000 Genomes Project 0.01358; gnomAD 0.01390 and 0.01495; TOPMed 0.01569; 1000 Genomes Project 30x 0.01577; ESP Exome Variant Server 0.01709.
gnomAD v4.1: 4,059 of 1,609,054 alleles (0.25%); highest among the groups gnomAD compares: African/African-American, 4.9%; 89 homozygotes.

Submissions (6):

Labcorp Genetics (formerly Invitae), Labcorp
Classification: Benign for Tremor, hereditary essential, 4; Amyotrophic lateral sclerosis type 6. Last evaluated: 2026-02-02. Review status: criteria provided, single submitter. Criteria: Invitae Variant Classification Sherloc (09022015). Collection method: clinical testing. Allele origin: germline.

GeneDx
Classification: Likely benign. Last evaluated: 2020-10-06. Review status: criteria provided, single submitter. Criteria: GeneDx Variant Classification Process June 2021. Collection method: clinical testing. Allele origin: germline. Affected: yes.

Illumina Laboratory Services, Illumina
Classification: Benign for Amyotrophic lateral sclerosis type 6. Last evaluated: 2018-01-13. Review status: criteria provided, single submitter. Criteria: ICSL Variant Classification Criteria 13 December 2019. Collection method: clinical testing. Allele origin: germline.
Comment: This variant was observed in the ICSL laboratory as part of a predisposition screen in an ostensibly healthy population. It had not been previously curated by ICSL or reported in the Human Gene Mutation Database (HGMD: prior to June 1st, 2018), and was therefore a candidate for classification through an automated scoring system. Utilizing variant allele frequency, disease prevalence and penetrance estimates, and inheritance mode, an automated score was calculated to assess if this variant is too frequent to cause the disease. Based on the score and internal cut-off values, a variant classified as benign is not then subjected to further curation. The score for this variant resulted in a classification of benign for this disease.

Athena Diagnostics
Classification: Benign. Last evaluated: 2017-12-27. Review status: criteria provided, single submitter. Criteria: Athena Diagnostics Criteria. Collection method: clinical testing. Allele origin: germline.

Breakthrough Genomics
Classification: Likely benign. Review status: criteria provided, single submitter. Criteria: ACMG Guidelines, 2015. Collection method: not provided. Allele origin: germline. Inheritance: Autosomal dominant inheritance. Affected: yes.

PreventionGenetics, part of Exact Sciences
Classification: Benign for FUS-related condition. Last evaluated: 2024-01-24. Review status: no assertion criteria provided. Collection method: clinical testing. Allele origin: germline. Not counted in ClinVar's aggregate classification.
Comment: This variant is classified as benign based on ACMG/AMP sequence variant interpretation guidelines (Richards et al. 2015 PMID: 25741868, with internal and published modifications).

Literature cited by the submitters: PubMed 22292843 (cited by Athena Diagnostics); PubMed 24262168 (cited by Athena Diagnostics); PubMed 20124201 (cited by Athena Diagnostics).

NM_004960.4(FUS):c.524-5C>T

Gene: FUS (FUS RNA binding protein; plus strand). Cytogenetic location: 16p11.2.
Variant type: single nucleotide variant.
Coding change: c.524-5C>T on transcript NM_004960.4 (MANE Select); 5 bases into the intron before coding-DNA position 524, C replaced by T.
Molecular consequence: intron variant.
Genome position (GRCh38, 1-based): chr16:31,184,934, C>T. VCF-style: chr16-31184934-C-T. GRCh37 (hg19) VCF-style: chr16-31196255-C-T.
Other names: c.512-5C>T (NM_001170937.1); c.521-5C>T (NM_001170634.1).
Identifiers: ClinVar variation 318985 (VCV000318985.22), dbSNP rs73530287, ClinGen allele CA8023702.